The following is an entry in ClinVar:

NM_032930.3(CFAP300):c.690G>A (p.Met230Ile)

Gene: CFAP300 (cilia and flagella associated protein 300; plus strand). Cytogenetic location: 11q22.1.
Variant type: single nucleotide variant.
Coding change: c.690G>A on transcript NM_032930.3 (MANE Select); coding-DNA position 690, G replaced by A.
Protein change: p.Met230Ile; replaces methionine 230 with isoleucine.
Molecular consequence: missense variant.
Genome position (GRCh38, 1-based): chr11:102,083,085, G>A. VCF-style: chr11-102083085-G-A. GRCh37 (hg19) VCF-style: chr11-101953816-G-A.
Other names: c.618G>A, p.Met206Ile (NM_001363505.2); short protein forms M206I, M230I.
Identifiers: ClinVar variation 1681468 (VCV001681468.6), dbSNP rs181449558, ClinGen allele CA6246107.
Genomic context (GRCh38, chr11:102,083,085, plus strand): 5'-ACATAAATAAAATAAAATAATAATAATTTAGGTTTGTCTTTTTCAGGATTCTGCTGGTAT[G>A]TGCTATCCTTCAGCAAAGAATCATGAACAGACATTTTCTTACTTTATTGTGGATCCTATC-3'
Protein context (NP_116319.2, residues 220-240): FKVSAYDSAG[Met230Ile]CYPSAKNHEQ

ClinVar aggregate classification (germline): Conflicting classifications of pathogenicity. Review status: criteria provided, conflicting classifications (1 of 4 stars). 2 submissions from 2 submitters: Uncertain significance (1); Likely benign (1). Last evaluated 2026-01-26.

Allele frequency attached by ClinVar (database versions not stated): 1000 Genomes Project 30x 0.00016; 1000 Genomes Project 0.00020; TOPMed 0.00023; ExAC 0.00041; gnomAD 0.00041 and 0.00043; gnomAD exomes 0.00044; ESP Exome Variant Server 0.00062.
gnomAD v4.1: 727 of 1,512,282 alleles (0.048%); highest among the groups gnomAD compares: Non-Finnish European, 0.058%; no homozygotes.

Submissions (2):

Labcorp Genetics (formerly Invitae), Labcorp
Classification: Uncertain significance. Last evaluated: 2026-01-26. Review status: criteria provided, single submitter. Criteria: Invitae Variant Classification Sherloc (09022015). Collection method: clinical testing. Allele origin: germline.
Comment: This sequence change replaces methionine, which is neutral and non-polar, with isoleucine, which is neutral and non-polar, at codon 230 of the C11orf70 protein (p.Met230Ile). This variant is present in population databases (rs181449558, gnomAD 0.1%), and has an allele count higher than expected for a pathogenic variant. This variant has not been reported in the literature in individuals affected with C11orf70-related conditions. ClinVar contains an entry for this variant (Variation ID: 1681468). Invitae Evidence Modeling of protein sequence and biophysical properties (such as structural, functional, and spatial information, amino acid conservation, physicochemical variation, residue mobility, and thermodynamic stability) indicates that this missense variant is not expected to disrupt C11orf70 protein function with a negative predictive value of 80%. In summary, the available evidence is currently insufficient to determine the role of this variant in disease. Therefore, it has been classified as a Variant of Uncertain Significance.

Blueprint Genetics
Classification: Likely benign. Last evaluated: 2024-11-22. Review status: criteria provided, single submitter. Criteria: ACMG Guidelines, 2015. Collection method: clinical testing. Allele origin: germline.